The following is an entry in ClinVar:

NM_015895.5(GMNN):c.626T>C (p.Ile209Thr)

Gene: GMNN (geminin DNA replication inhibitor; plus strand). Cytogenetic location: 6p22.3.
Variant type: single nucleotide variant.
Coding change: c.626T>C on transcript NM_015895.5 (MANE Select); coding-DNA position 626, T replaced by C.
Protein change: p.Ile209Thr; replaces isoleucine 209 with threonine.
Molecular consequence: missense variant.
Genome position (GRCh38, 1-based): chr6:24,785,795, T>C. VCF-style: chr6-24785795-T-C. GRCh37 (hg19) VCF-style: chr6-24786023-T-C.
Other names: c.626T>C, p.Ile209Thr (NM_001251989.2, NM_001251990.2, NM_001251991.1); short protein forms I209T.
Identifiers: ClinVar variation 2691317 (VCV002691317.1), dbSNP rs2532448003, ClinGen allele CA362992178.

ClinVar aggregate classification (germline): Uncertain significance (1 of 4 stars; one submission).

Allele frequency attached by ClinVar (database versions not stated): gnomAD exomes below 0.00001.
gnomAD v4.1: 1 of 1,563,528 alleles (0.000064%); highest among the groups gnomAD compares: Non-Finnish European, 0.000087%; no homozygotes.

Submission:

Women's Health and Genetics/Laboratory Corporation of America, LabCorp
Classification: Uncertain significance. Last evaluated: 2023-12-18. Review status: criteria provided, single submitter. Criteria: LabCorp Variant Classification Summary - May 2015. Collection method: clinical testing. Allele origin: germline.
Comment: Variant summary: GMNN c.626T>C (p.Ile209Thr) results in a non-conservative amino acid change in the encoded protein sequence. Four of five in-silico tools predict a benign effect of the variant on protein function. The variant was absent in 217072 control chromosomes (gnomAD). The available data on variant occurrences in the general population are insufficient to allow any conclusion about variant significance. To our knowledge, no occurrence of c.626T>C in individuals affected with Meier-Gorlin Syndrome and no experimental evidence demonstrating its impact on protein function have been reported. No submitters have cited clinical-significance assessments for this variant to ClinVar after 2014. Based on the evidence outlined above, the variant was classified as uncertain significance.